The following is an entry in ClinVar:

NM_001364171.2(ODAD1):c.666-4G>A

Gene: ODAD1 (outer dynein arm docking complex subunit 1; minus strand). Cytogenetic location: 19q13.33.
Variant type: single nucleotide variant.
Coding change: c.666-4G>A on transcript NM_001364171.2 (MANE Select); 4 bases into the intron before coding-DNA position 666, G replaced by A.
Molecular consequence: intron variant.
Genome position (GRCh38, 1-based): chr19:48,304,144, C>T on the plus strand (G>A on the coding strand, the complement: ODAD1 is on the minus strand). VCF-style: chr19-48304144-C-T. GRCh37 (hg19) VCF-style: chr19-48807401-C-T.
Other names: p.?; c.555-4G>A (NM_144577.4).
Identifiers: ClinVar variation 262503 (VCV000262503.21), dbSNP rs56177753, ClinGen allele CA9548995.

ClinVar aggregate classification (germline): Benign/Likely benign. Review status: criteria provided, multiple submitters, no conflicts (2 of 4 stars). 8 submissions from 8 submitters: Benign (7); Likely benign (1). Last evaluated 2026-02-04.

Conditions:
Primary ciliary dyskinesia. Also called: Ciliary dyskinesia. Identifiers: Orphanet 244, MedGen C0008780, MONDO:0016575, HP:0012265.

Allele frequency attached by ClinVar (database versions not stated): 1000 Genomes Project 0.16813; 1000 Genomes Project 30x 0.17177; TOPMed 0.21910; gnomAD 0.22521 and 0.22751; ESP Exome Variant Server 0.24330.
gnomAD v4.1: 422,811 of 1,596,794 alleles (26%); highest among the groups gnomAD compares: Non-Finnish European, 29%; 58,330 homozygotes.

Submissions (8):

Labcorp Genetics (formerly Invitae), Labcorp
Classification: Benign for Primary ciliary dyskinesia. Last evaluated: 2026-02-04. Review status: criteria provided, single submitter. Criteria: Invitae Variant Classification Sherloc (09022015). Collection method: clinical testing. Allele origin: germline.

Blueprint Genetics
Classification: Likely benign. Last evaluated: 2024-11-28. Review status: criteria provided, single submitter. Criteria: ACMG Guidelines, 2015. Collection method: clinical testing. Allele origin: germline.

Mayo Clinic Laboratories, Mayo Clinic
Classification: Benign. Last evaluated: 2022-04-26. Review status: criteria provided, single submitter. Criteria: ACMG Guidelines, 2015. Collection method: clinical testing. Allele origin: germline. Observed: 102 variant alleles.

GeneDx
Classification: Benign. Last evaluated: 2018-11-10. Review status: criteria provided, single submitter. Criteria: GeneDx Variant Classification Process June 2021. Collection method: clinical testing. Allele origin: germline. Affected: yes.

Ambry Genetics
Classification: Benign for Primary ciliary dyskinesia. Last evaluated: 2016-07-07. Review status: criteria provided, single submitter. Criteria: Ambry Variant Classification Scheme 2023. Collection method: clinical testing. Allele origin: germline.

Laboratory for Molecular Medicine, Mass General Brigham Personalized Medicine
Classification: Benign. Last evaluated: 2016-03-29. Review status: criteria provided, single submitter. Criteria: LMM Criteria. Collection method: clinical testing. Allele origin: germline.
Comment: Variant identified in a genome or exome case(s) and assessed due to predicted null impact of the variant or pathogenic assertions in the literature or databases. Disclaimer: This variant has not undergone full assessment. The following are preliminary notes: Frequency

Breakthrough Genomics
Classification: Benign. Review status: criteria provided, single submitter. Criteria: ACMG Guidelines, 2015. Collection method: not provided. Allele origin: germline. Inheritance: Autosomal recessive inheritance. Affected: yes.

PreventionGenetics, part of Exact Sciences
Classification: Benign. Review status: criteria provided, single submitter. Criteria: ACMG Guidelines, 2015. Collection method: clinical testing. Allele origin: germline.